The following is an entry in ClinVar:

ClinVar aggregate classification (germline): Uncertain significance (1 of 4 stars; one submission).

Conditions:
Hereditary cancer-predisposing syndrome. Also called: Neoplastic Syndromes, Hereditary; Hereditary Cancer Syndrome; Tumor predisposition; Hereditary neoplastic syndrome. Identifiers: Orphanet 140162, MedGen C0027672, MeSH D009386, MONDO:0015356.

Submission:

Ambry Genetics
Classification: Uncertain significance for Hereditary cancer-predisposing syndrome. Last evaluated: 2024-12-20. Review status: criteria provided, single submitter. Criteria: Ambry Variant Classification Scheme 2023. Collection method: clinical testing. Allele origin: germline.
Comment: The p.V806A variant (also known as c.2417T>C), located in coding exon 15 of the PTCH1 gene, results from a T to C substitution at nucleotide position 2417. The valine at codon 806 is replaced by alanine, an amino acid with similar properties. This amino acid position is conserved. In addition, this alteration is predicted to be deleterious by in silico analysis. Based on the available evidence, the clinical significance of this variant remains unclear.

NM_000264.5(PTCH1):c.2417T>C (p.Val806Ala)

Genes: PTCH1 (patched 1; minus strand), LOC100507346 (uncharacterized LOC100507346; plus strand). Cytogenetic location: 9q22.32.
Variant type: single nucleotide variant.
Coding change: c.2417T>C on transcript NM_000264.5 (MANE Select); coding-DNA position 2417, T replaced by C.
Protein change: p.Val806Ala; replaces valine 806 with alanine.
Molecular consequence: missense variant. On other transcripts: non-coding transcript variant (1).
Genome position (GRCh38, 1-based): chr9:95,467,259, A>G on the plus strand (T>C on the coding strand, the complement: PTCH1 is on the minus strand). VCF-style: chr9-95467259-A-G. GRCh37 (hg19) VCF-style: chr9-98229541-A-G.
Other names: c.2219T>C, p.Val740Ala (NM_001083602.3); c.1964T>C, p.Val655Ala (NM_001083604.3, NM_001083605.3, NM_001083606.3 and 1 more transcripts); c.2414T>C, p.Val805Ala (NM_001083603.3); c.2261T>C, p.Val754Ala (NM_001354918.2); short protein forms V754A, V655A, V805A, V806A, V740A.
Identifiers: ClinVar variation 3784614 (VCV003784614.1).
Genomic context (GRCh38, chr9:95,467,259, plus strand): 5'-AAACTCCTGTGTAGGTCGTAAAGTAAGTGCTGGATATTCGGGTAGTCTGCTTTCTGGGTG[A>G]CTATATACATGTTGTAGAAAGAAAAGTATTTGAATTGTGCAGCAATAAAGTCATATTCTC-3'
Protein context (NP_000255.2, residues 796-816): KYFSFYNMYI[Val806Ala]TQKADYPNIQ